The following is an entry in ClinVar:

ClinVar aggregate classification (germline): Uncertain significance (1 of 4 stars; one submission).

Submission:

Labcorp Genetics (formerly Invitae), Labcorp
Classification: Uncertain significance. Last evaluated: 2022-08-01. Review status: criteria provided, single submitter. Criteria: Invitae Variant Classification Sherloc (09022015). Collection method: clinical testing. Allele origin: germline.
Comment: In summary, the available evidence is currently insufficient to determine the role of this variant in disease. Therefore, it has been classified as a Variant of Uncertain Significance. Algorithms developed to predict the effect of missense changes on protein structure and function are either unavailable or do not agree on the potential impact of this missense change (SIFT: "Deleterious"; PolyPhen-2: "Possibly Damaging"; Align-GVGD: "Class C0"). This variant has not been reported in the literature in individuals affected with AUTS2-related conditions. This variant is not present in population databases (gnomAD no frequency). This sequence change replaces aspartic acid, which is acidic and polar, with histidine, which is basic and polar, at codon 989 of the AUTS2 protein (p.Asp989His).

NM_015570.4(AUTS2):c.2965G>C (p.Asp989His)

Gene: AUTS2 (activator of transcription and developmental regulator AUTS2; plus strand). Cytogenetic location: 7q11.22.
Variant type: single nucleotide variant.
Coding change: c.2965G>C on transcript NM_015570.4 (MANE Select); coding-DNA position 2965, G replaced by C.
Protein change: p.Asp989His; replaces aspartic acid 989 with histidine.
Molecular consequence: missense variant.
Genome position (GRCh38, 1-based): chr7:70,790,181, G>C. VCF-style: chr7-70790181-G-C. GRCh37 (hg19) VCF-style: chr7-70255167-G-C.
Other names: c.2893G>C, p.Asp965His (NM_001127231.3); short protein forms D989H, D965H.
Identifiers: ClinVar variation 2080397 (VCV002080397.4), dbSNP rs377538146, ClinGen allele CA367665199.